The following is an entry in ClinVar:

NM_000057.4(BLM):c.2323A>G (p.Arg775Gly)

Gene: BLM (BLM RecQ like helicase; plus strand). Cytogenetic location: 15q26.1.
Variant type: single nucleotide variant.
Coding change: c.2323A>G on transcript NM_000057.4 (MANE Select); coding-DNA position 2323, A replaced by G.
Protein change: p.Arg775Gly; replaces arginine 775 with glycine.
Molecular consequence: missense variant.
Genome position (GRCh38, 1-based): chr15:90,769,148, A>G. VCF-style: chr15-90769148-A-G. GRCh37 (hg19) VCF-style: chr15-91312378-A-G.
Other names: c.2323A>G, p.Arg775Gly (NM_001287246.2, NM_001287247.2); c.1198A>G, p.Arg400Gly (NM_001287248.2); short protein forms R400G, R775G.
Identifiers: ClinVar variation 1343610 (VCV001343610.3), dbSNP rs2151165680, ClinGen allele CA393845055.

ClinVar aggregate classification (germline): Uncertain significance. Review status: criteria provided, multiple submitters, no conflicts (2 of 4 stars). 2 submissions from 2 submitters: Uncertain significance (2). Last evaluated 2024-07-22.

Conditions:
Bloom syndrome (BLM). Also called: Bloom-Torre-Machacek syndrome. Identifiers: Orphanet 125, MedGen C0005859, MONDO:0008876, OMIM 210900.

Submissions (2):

Labcorp Genetics (formerly Invitae), Labcorp
Classification: Uncertain significance for Bloom syndrome. Last evaluated: 2024-07-22. Review status: criteria provided, single submitter. Criteria: Invitae Variant Classification Sherloc (09022015). Collection method: clinical testing. Allele origin: germline.
Comment: This sequence change replaces arginine, which is basic and polar, with glycine, which is neutral and non-polar, at codon 775 of the BLM protein (p.Arg775Gly). This variant is not present in population databases (gnomAD no frequency). This variant has not been reported in the literature in individuals affected with BLM-related conditions. ClinVar contains an entry for this variant (Variation ID: 1343610). Advanced modeling of protein sequence and biophysical properties (such as structural, functional, and spatial information, amino acid conservation, physicochemical variation, residue mobility, and thermodynamic stability) performed at Invitae indicates that this missense variant is expected to disrupt BLM protein function with a positive predictive value of 80%. In summary, the available evidence is currently insufficient to determine the role of this variant in disease. Therefore, it has been classified as a Variant of Uncertain Significance.

Women's Health and Genetics/Laboratory Corporation of America, LabCorp
Classification: Uncertain significance. Last evaluated: 2022-02-18. Review status: criteria provided, single submitter. Criteria: LabCorp Variant Classification Summary - May 2015. Collection method: clinical testing. Allele origin: germline.